The following is an entry in ClinVar:

ClinVar aggregate classification (germline): Uncertain significance (1 of 4 stars; one submission).

Submission:

GeneDx
Classification: Uncertain significance. Last evaluated: 2026-03-21. Review status: criteria provided, single submitter. Criteria: GeneDx Variant Classification Process June 2021. Collection method: clinical testing. Allele origin: germline.
Comment: Not observed at significant frequency in large population cohorts (gnomAD); In silico analysis supports that this missense variant has a deleterious effect on protein structure/function; Has not been previously published as pathogenic or benign to our knowledge

NM_031418.4(ANO3):c.1540C>G (p.Arg514Gly)

Gene: ANO3 (anoctamin 3; plus strand). Cytogenetic location: 11p14.2.
Variant type: single nucleotide variant.
Coding change: c.1540C>G on transcript NM_031418.4 (MANE Select); coding-DNA position 1540, C replaced by G.
Protein change: p.Arg514Gly; replaces arginine 514 with glycine.
Molecular consequence: missense variant.
Genome position (GRCh38, 1-based): chr11:26,598,867, C>G. VCF-style: chr11-26598867-C-G. GRCh37 (hg19) VCF-style: chr11-26620414-C-G.
Other names: c.1723C>G, p.Arg575Gly (NM_001313726.2); c.1102C>G, p.Arg368Gly (NM_001313727.2); short protein forms R368G, R514G, R575G.
Identifiers: ClinVar variation 5009063 (VCV005009063.1).
Genomic context (GRCh38, chr11:26,598,867, plus strand): 5'-TTTTTTTAGTTTATGGCTTTGATATTTAGATAACTTTCGTTTCTCTCATAGGAAACACTT[C>G]GTCCCCAGTTTGAAGCCAAGTATTACAAGATGGAGATTGTAAATCCCATCACGGGAAAAC-3'
Protein context (NP_113606.2, residues 504-524): IEWEEEEETL[Arg514Gly]PQFEAKYYKM